The following is an entry in ClinVar:

ClinVar aggregate classification (germline): Uncertain significance. Review status: criteria provided, multiple submitters, no conflicts (2 of 4 stars). 2 submissions from 2 submitters: Uncertain significance (2). Last evaluated 2023-04-22.

Conditions:
Hereditary spastic paraplegia 4. Also called: Spastic paraplegia 4, autosomal dominant; Spastic Paraplegia 4; Familial spastic paraplegia autosomal dominant 2. Identifiers: Orphanet 100985, MedGen C1866855, MONDO:0008438, OMIM 182601.

Allele frequency attached by ClinVar (database versions not stated): gnomAD exomes below 0.00001.
gnomAD v4.1: 1 of 1,594,208 alleles (0.000063%); highest among the groups gnomAD compares: South Asian, 0.0011%; no homozygotes.

Submissions (2):

Labcorp Genetics (formerly Invitae), Labcorp
Classification: Uncertain significance for Hereditary spastic paraplegia 4. Last evaluated: 2023-04-22. Review status: criteria provided, single submitter. Criteria: Invitae Variant Classification Sherloc (09022015). Collection method: clinical testing. Allele origin: germline.
Comment: In summary, the available evidence is currently insufficient to determine the role of this variant in disease. Therefore, it has been classified as a Variant of Uncertain Significance. Variants that disrupt the consensus splice site are a relatively common cause of aberrant splicing (PMID: 17576681, 9536098). Algorithms developed to predict the effect of sequence changes on RNA splicing suggest that this variant may disrupt the consensus splice site. An algorithm developed to predict the effect of missense changes on protein structure and function (PolyPhen-2) suggests that this variant is likely to be tolerated. ClinVar contains an entry for this variant (Variation ID: 994981). This variant has not been reported in the literature in individuals affected with SPAST-related conditions. This variant is not present in population databases (gnomAD no frequency). This sequence change replaces glutamic acid, which is acidic and polar, with aspartic acid, which is acidic and polar, at codon 576 of the SPAST protein (p.Glu576Asp). This variant also falls at the last nucleotide of exon 16, which is part of the consensus splice site for this exon.

Athena Diagnostics
Classification: Uncertain significance. Last evaluated: 2020-03-24. Review status: criteria provided, single submitter. Criteria: Athena Diagnostics Criteria. Collection method: clinical testing. Allele origin: unknown.

Literature cited by the submitters: PubMed 17576681 (cited by Labcorp Genetics (formerly Invitae), Labcorp); PubMed 9536098 (cited by Labcorp Genetics (formerly Invitae), Labcorp).

NM_014946.4(SPAST):c.1728G>T (p.Glu576Asp)

Gene: SPAST (spastin; plus strand). Cytogenetic location: 2p22.3.
Variant type: single nucleotide variant.
Coding change: c.1728G>T on transcript NM_014946.4 (MANE Select); coding-DNA position 1728, G replaced by T.
Protein change: p.Glu576Asp; replaces glutamic acid 576 with aspartic acid.
Molecular consequence: missense variant. On other transcripts: 3 prime UTR variant (1).
Genome position (GRCh38, 1-based): chr2:32,147,258, G>T. VCF-style: chr2-32147258-G-T. GRCh37 (hg19) VCF-style: chr2-32372327-G-T.
Other names: c.1725G>T, p.Glu575Asp (NM_001363823.2); c.1629G>T, p.Glu543Asp (NM_001363875.2); c.*1G>T (NM_001377959.1); c.1632G>T, p.Glu544Asp (NM_199436.2); short protein forms E543D, E544D, E575D, E576D.
Identifiers: ClinVar variation 994981 (VCV000994981.8), dbSNP rs1060502225, ClinGen allele CA346504398.
Genomic context (GRCh38, chr2:32,147,258, plus strand): 5'-CTGACTTTTATGTTTTACAGAACTAAAACCAGAACAGGTGAAGAATATGTCTGCCAGTGA[G>T]GTATAGTATTTTACAATGATATTTTCTTTGTCTTCTATATTGTAAGACATATATAAGACA-3'
Protein context (NP_055761.2, residues 566-586): PEQVKNMSAS[Glu576Asp]MRNIRLSDFT